The following is an entry in ClinVar:

NM_001243279.3(ACSF3):c.297C>T (p.Ser99=)

Gene: ACSF3 (acyl-CoA synthetase family member 3; plus strand). Cytogenetic location: 16q24.3.
Variant type: single nucleotide variant.
Coding change: c.297C>T on transcript NM_001243279.3 (MANE Select); coding-DNA position 297, C replaced by T.
Protein change: p.Ser99=; no amino-acid change (serine 99 retained).
Molecular consequence: synonymous variant. On other transcripts: non-coding transcript variant (3), intron variant (1).
Genome position (GRCh38, 1-based): chr16:89,100,978, C>T. VCF-style: chr16-89100978-C-T. GRCh37 (hg19) VCF-style: chr16-89167386-C-T.
Other names: c.297C>T, p.Ser99= (NM_001127214.4, NM_174917.5); c.-129-1626C>T (NM_001284316.2).
Identifiers: ClinVar variation 381451 (VCV000381451.11), dbSNP rs59213357, ClinGen allele CA8237605.

ClinVar aggregate classification (germline): Benign. Review status: criteria provided, multiple submitters, no conflicts (2 of 4 stars). 3 submissions from 3 submitters: Benign (3). Last evaluated 2026-02-02.

Conditions:
Combined malonic and methylmalonic acidemia. Identifiers: Orphanet 289504, MedGen C3280314, MONDO:0013661, OMIM 614265.

Allele frequency attached by ClinVar (database versions not stated): ESP Exome Variant Server 0.00215; TOPMed 0.00438; gnomAD exomes 0.00646 and 0.01541; gnomAD 0.01079 and 0.01112; 1000 Genomes Project 30x 0.01374; ExAC 0.01385; 1000 Genomes Project 0.01518.
gnomAD v4.1: 11,204 of 1,613,624 alleles (0.69%); highest among the groups gnomAD compares: East Asian, 4.7%; 321 homozygotes.

Submissions (3):

Labcorp Genetics (formerly Invitae), Labcorp
Classification: Benign for Combined malonic and methylmalonic acidemia. Last evaluated: 2026-02-02. Review status: criteria provided, single submitter. Criteria: Invitae Variant Classification Sherloc (09022015). Collection method: clinical testing. Allele origin: germline.

GeneDx
Classification: Benign. Last evaluated: 2015-12-10. Review status: criteria provided, single submitter. Criteria: GeneDx Variant Classification (06012015). Collection method: clinical testing. Allele origin: germline. Affected: yes.
Comment: This variant is considered likely benign or benign based on one or more of the following criteria: it is a conservative change, it occurs at a poorly conserved position in the protein, it is predicted to be benign by multiple in silico algorithms, and/or has population frequency not consistent with disease.

Breakthrough Genomics
Classification: Benign. Review status: criteria provided, single submitter. Criteria: ACMG Guidelines, 2015. Collection method: not provided. Allele origin: germline. Inheritance: Unknown mechanism. Affected: yes.